The following is an entry in ClinVar:

ClinVar aggregate classification (germline): Pathogenic. Review status: criteria provided, multiple submitters, no conflicts (2 of 4 stars). 10 submissions from 10 submitters: Pathogenic (9). 1 of the submissions does not count toward it. Last evaluated 2026-09-08.

Conditions:
Lymphangiomyomatosis (LAM). Also called: Lymphangioleiomyomatosis; Lymphangioleiomyomatosis, somatic. Identifiers: Orphanet 538, MedGen C0751674, MONDO:0011705, OMIM 606690.
Isolated focal cortical dysplasia type II (FCORD2). Also called: Focal cortical dysplasia type II; CORTICAL DYSPLASIA OF TAYLOR. Identifiers: Orphanet 268994, MedGen C1846385, MONDO:0011818, OMIM 607341, HP:0032051.
Tuberous sclerosis 2 (TSC2). Identifiers: Orphanet 805, MedGen C1860707, MONDO:0013199, OMIM 613254.
TSC2-related disorder. Also called: TSC2-related condition; TSC2-Related Disorders.
Hereditary cancer-predisposing syndrome. Also called: Neoplastic Syndromes, Hereditary; Hereditary neoplastic syndrome; Hereditary Cancer Syndrome; Tumor predisposition. Identifiers: Orphanet 140162, MedGen C0027672, MeSH D009386, MONDO:0015356.
Tuberous sclerosis syndrome (TSC). Also called: Tuberous Sclerosis Complex; Tuberous sclerosis. Identifiers: Orphanet 805, MedGen C0041341, MONDO:0001734.

Submissions (10):

Ambry Genetics
Classification: Pathogenic for Hereditary cancer-predisposing syndrome. Last evaluated: 2026-09-08. Review status: criteria provided, single submitter. Criteria: Ambry Variant Classification Scheme 2023. Collection method: clinical testing. Allele origin: germline.
Comment: The c.3693_3696delGTCT pathogenic mutation, located in coding exon 30 of the TSC2 gene, results from a deletion of 4 nucleotides at nucleotide positions 3693 to 3696, causing a translational frameshift with a predicted alternate stop codon (p.S1232Tfs*92). This variant was identified in one or more individuals with features consistent with tuberous sclerosis complex (Hung CC et al. BMC Med Genet, 2006 Sep;7:72; Papadopoulou A et al. Eur J Paediatr Neurol, 2018 May;22:419-426; Pratic&ograve; AD et al. Sci Rep, 2025 Jun;15:20347) and segregated with disease in at least one family (Pratic&ograve; AD et al. Sci Rep, 2025 Jun;15:20347). This variant is considered to be rare based on population cohorts in the Genome Aggregation Database (gnomAD). This alteration is expected to result in loss of function by premature protein truncation or nonsense-mediated mRNA decay. As such, this alteration is interpreted as a disease-causing mutation.

Labcorp Genetics (formerly Invitae), Labcorp
Classification: Pathogenic for Tuberous sclerosis 2. Last evaluated: 2024-06-29. Review status: criteria provided, single submitter. Criteria: Invitae Variant Classification Sherloc (09022015). Collection method: clinical testing. Allele origin: germline.
Comment: This sequence change creates a premature translational stop signal (p.Ser1232Thrfs*92) in the TSC2 gene. It is expected to result in an absent or disrupted protein product. Loss-of-function variants in TSC2 are known to be pathogenic (PMID: 10205261, 17304050). This variant is not present in population databases (gnomAD no frequency). This premature translational stop signal has been observed in individual(s) with tuberous sclerosis complex (PMID: 16981987, 29500070). ClinVar contains an entry for this variant (Variation ID: 50013). For these reasons, this variant has been classified as Pathogenic.

GeneDx
Classification: Pathogenic. Last evaluated: 2022-12-19. Review status: criteria provided, single submitter. Criteria: GeneDx Variant Classification Process June 2021. Collection method: clinical testing. Allele origin: germline. Affected: yes.
Comment: Frameshift variant predicted to result in protein truncation or nonsense mediated decay in a gene for which loss of function is a known mechanism of disease; Not observed at significant frequency in large population cohorts (gnomAD); This variant is associated with the following publications: (PMID: 16981987, 17304050, 21510812, 15798777, 35918040, 31018109, 29476190, 29500070, 33376960, 23217510)

Blueprint Genetics
Classification: Pathogenic for TSC2-related disorders. Last evaluated: 2022-12-01. Review status: criteria provided, single submitter. Criteria: ACMG Guidelines, 2015. Collection method: clinical testing. Allele origin: germline. Affected: yes. Observed: 4 variant alleles.

Division of Genomic Medicine, Department of Advanced Medicine, Medical Research Institute, Kanazawa Medical University
Classification: Pathogenic for Tuberous sclerosis 2. Last evaluated: 2022-07-17. Review status: criteria provided, single submitter. Criteria: ACMG Guidelines, 2015. Collection method: clinical testing. Allele origin: germline. Affected: yes. Observed: 2 variant alleles.

Fulgent Genetics
Classification: Pathogenic for Lymphangiomyomatosis; Isolated focal cortical dysplasia type II; Tuberous sclerosis 2. Last evaluated: 2022-03-19. Review status: criteria provided, single submitter. Criteria: ACMG Guidelines, 2015. Collection method: clinical testing. Allele origin: unknown.

Genome-Nilou Lab
Classification: Pathogenic for Tuberous sclerosis 2. Last evaluated: 2021-11-07. Review status: criteria provided, single submitter. Criteria: ACMG Guidelines, 2015. Collection method: clinical testing. Allele origin: germline. Affected: no.

Athena Diagnostics
Classification: Pathogenic. Last evaluated: 2019-08-12. Review status: criteria provided, single submitter. Criteria: Athena Diagnostics Criteria. Collection method: clinical testing. Allele origin: germline.
Comment: The variant results in a shift of the reading frame, and is therefore predicted to result in the loss of a functional protein. Found in at least one symptomatic patient, and not found in general population data.

Center for Genomics, Ann and Robert H. Lurie Children's Hospital of Chicago
Classification: Pathogenic for Lymphangiomyomatosis; Isolated focal cortical dysplasia type II; Tuberous sclerosis 2. Review status: criteria provided, single submitter. Criteria: ACMG Guidelines, 2015. Collection method: clinical testing. Allele origin: germline.
Comment: TSC2 NM_000548.4 exon 31 p.Ser1232Thrfs*92 (c.3693_3696del): This variant has been reported in the literature in several individuals with tuberous sclerosis (Hung 2006 PMID:16981987, Au 2007 PMID:17304050, Lyall 2012 PMID:23217510, Papadopoulou 2018 PMID:29500070), including several entries in the Tuberous Sclerosis Database. This variant is not present in large control databases but is present in ClinVar (Variation ID:50013). Evolutionary conservation and computational predictive tools for this variant are limited or unavailable. This variant creates a premature stop codon 92 amino acids downstream from this location which results in an absent or abnormal protein. Loss of function variants are a known mechanism of disease for this gene (Rosset 2017 PMID:28222202). In summary, this variant is classified as pathogenic based on the data above (impact to protein, absence from controls, etc.).

Tuberous sclerosis database (TSC2)
No classification provided. Condition: TSC. Review status: no classification provided. Criteria: Tuberous Sclerosis Database Assertion Criteria 2015. Collection method: curation. Allele origin: germline. Affected: yes. Not counted in ClinVar's aggregate classification.

Literature cited by the submitters: PubMed 16981987 (cited by 3 submitters); PubMed 29500070 (cited by 3 submitters); PubMed 40579409 (cited by Ambry Genetics); PubMed 10205261 (cited by Labcorp Genetics (formerly Invitae), Labcorp); PubMed 17304050 (cited by Labcorp Genetics (formerly Invitae), Labcorp and Athena Diagnostics); PubMed 23217510 (cited by Athena Diagnostics); PubMed 21510812 (cited by Athena Diagnostics); PubMed 15798777 (cited by Athena Diagnostics); PubMed 29476190 (cited by Athena Diagnostics).

NM_000548.5(TSC2):c.3693_3696del (p.Ser1232fs)

Gene: TSC2 (TSC complex subunit 2; plus strand). Cytogenetic location: 16p13.3.
Variant type: Deletion.
Coding change: c.3693_3696del on transcript NM_000548.5 (MANE Select); coding-DNA positions 3693 to 3696, 4 bases deleted (GTCT; older notation c.3693_3696delGTCT).
Protein change: p.Ser1232fs; shifts the reading frame from serine 1232.
Molecular consequence: frameshift variant.
Genome position (GRCh38, 1-based): chr16:2,081,677-2,081,680, GTCT deleted; deleting any 4 consecutive bases within chr16:2,081,675-2,081,680 gives the same sequence; the c. name uses the placement nearest the transcript's 3' end. VCF-style (leftmost placement, unchanged base first): chr16-2081674-GCTGT-G. GRCh37 (hg19) VCF-style: chr16-2131675-GCTGT-G.
Other names: c.3561_3564del, p.Ser1188fs (NM_001077183.3, NM_001370404.1); c.3693_3696del, p.Ser1232fs (NM_001114382.3); c.3453_3456del, p.Ser1152fs (NM_001318827.2); c.3417_3420del, p.Ser1140fs (NM_001318829.2); c.2961_2964del, p.Ser988fs (NM_001318831.2); c.3594_3597del, p.Ser1199fs (NM_001318832.2); c.3564_3567del, p.Ser1189fs (NM_001363528.2, NM_001370405.1, NM_021055.3); c.3693_3696delGTCT (NM_000548.5); short protein forms S1189fs, S988fs, S1188fs, S1199fs, S1140fs, S1152fs, S1232fs.
Identifiers: ClinVar variation 50013 (VCV000050013.21), dbSNP rs137853993, ClinGen allele CA019473.